The following is an entry in ClinVar:

NM_006031.6(PCNT):c.4962+3G>A

Gene: PCNT (pericentrin; plus strand). Cytogenetic location: 21q22.3.
Variant type: single nucleotide variant.
Coding change: c.4962+3G>A on transcript NM_006031.6 (MANE Select); 3 bases into the intron after coding-DNA position 4962, G replaced by A.
Molecular consequence: intron variant.
Genome position (GRCh38, 1-based): chr21:46,401,724, G>A. VCF-style: chr21-46401724-G-A. GRCh37 (hg19) VCF-style: chr21-47821638-G-A.
Other names: c.4608+3G>A (NM_001315529.2).
Identifiers: ClinVar variation 1423430 (VCV001423430.4), dbSNP rs376215188, ClinGen allele CA10079829.

ClinVar aggregate classification (germline): Uncertain significance (1 of 4 stars; one submission).

Allele frequency attached by ClinVar (database versions not stated): ExAC 0.00001; gnomAD exomes 0.00001 and 0.00006; TOPMed 0.00003; gnomAD 0.00005; ESP Exome Variant Server 0.00008.
gnomAD v4.1: 96 of 1,613,900 alleles (0.0059%); highest among the groups gnomAD compares: Non-Finnish European, 0.0077%; 1 homozygote.

Submission:

Labcorp Genetics (formerly Invitae), Labcorp
Classification: Uncertain significance. Last evaluated: 2025-10-22. Review status: criteria provided, single submitter. Criteria: Invitae Variant Classification Sherloc (09022015). Collection method: clinical testing. Allele origin: germline.
Comment: This sequence change falls in intron 26 of the PCNT gene. It does not directly change the encoded amino acid sequence of the PCNT protein. It affects a nucleotide within the consensus splice site. This variant is present in population databases (rs376215188, gnomAD 0.003%). This variant has not been reported in the literature in individuals affected with PCNT-related conditions. ClinVar contains an entry for this variant (Variation ID: 1423430). Variants that disrupt the consensus splice site are a relatively common cause of aberrant splicing (PMID: 17576681, 9536098). Algorithms developed to predict the effect of sequence changes on RNA splicing suggest that this variant is not likely to affect RNA splicing. In summary, the available evidence is currently insufficient to determine the role of this variant in disease. Therefore, it has been classified as a Variant of Uncertain Significance.

Literature cited by the submitters: PubMed 17576681; PubMed 9536098.